The following is an entry in ClinVar:

NM_001849.4(COL6A2):c.1817-3C>G

Gene: COL6A2 (collagen type VI alpha 2 chain; plus strand). Cytogenetic location: 21q22.3.
Variant type: single nucleotide variant.
Coding change: c.1817-3C>G on transcript NM_001849.4 (MANE Select); 3 bases into the intron before coding-DNA position 1817, C replaced by G.
Molecular consequence: intron variant.
Genome position (GRCh38, 1-based): chr21:46,125,462, C>G. VCF-style: chr21-46125462-C-G. GRCh37 (hg19) VCF-style: chr21-47545376-C-G.
Other names: c.1817-3C>G (NM_058175.3, NM_058174.3).
Identifiers: ClinVar variation 974882 (VCV000974882.6), dbSNP rs112645828, ClinGen allele CA321972261.

ClinVar aggregate classification (germline): Uncertain significance. Review status: criteria provided, multiple submitters, no conflicts (2 of 4 stars). 3 submissions from 3 submitters: Uncertain significance (3). Last evaluated 2025-01-10.

Conditions:
Bethlem myopathy 1B (BTHLM1B). Identifiers: MedGen C5935580, MONDO:0958233, OMIM 620725.
Bethlem myopathy 1A. Also called: Bethlem Muscular Dystrophy; Bethlem myopathy 1; MYOPATHY, BENIGN CONGENITAL, WITH CONTRACTURES. Identifiers: Orphanet 610, MedGen CN029274, MONDO:0024530, OMIM 158810.

gnomAD v4.1: 1 of 1,612,900 alleles (0.000062%); highest among the groups gnomAD compares: South Asian, 0.0011%; no homozygotes.

Submissions (3):

3billion
Classification: Uncertain significance for Bethlem myopathy 1B. Last evaluated: 2025-01-10. Review status: criteria provided, single submitter. Criteria: ACMG Guidelines, 2015. Collection method: clinical testing. Allele origin: germline. Affected: yes.
Comment: The variant is observed at an extremely low frequency in the gnomAD v4.1.0 dataset (total allele frequency: <0.001%). Predicted Consequence/Location: Intron variant In silico tools predict the variant to alter splicing and produce an abnormal transcript [SpliceAI: 0.65 (>=0.2, moderate evidence for spliceogenicity)]. The variant has been reported to be associated with COL6A2-related disorder (PMID: 15689448). Therefore, this variant is classified as VUS according to the recommendation of ACMG/AMP guideline.

CENTOGENE GmbH and LLC - Guiding Precision Medicine
Classification: Uncertain significance for Bethlem myopathy 1A. Last evaluated: 2022-12-19. Review status: criteria provided, single submitter. Criteria: ACMG Guidelines, 2015. Collection method: clinical testing. Allele origin: germline. Affected: yes.
Comment: This variant has previously been described in heterozygous state in a patient with Bethlem myopathy (PMID: 15689448) and in homozygous state in several patients with symptoms consistent with a COL6A2-related phenotype, at CENTOGENE. Therefore, the variant is reclassified to VUS.

Revvity Omics, Revvity
Classification: Uncertain significance. Last evaluated: 2021-08-11. Review status: criteria provided, single submitter. Criteria: ACMG Guidelines, 2015. Collection method: clinical testing. Allele origin: germline.

Literature cited by the submitters: PubMed 15689448 (cited by 3billion); PubMed 32860008 (cited by CENTOGENE GmbH and LLC - Guiding Precision Medicine).